The following is an entry in ClinVar:

NM_178276.7(SERINC5):c.1266G>A (p.Leu422=)

Gene: SERINC5 (serine incorporator 5; minus strand). Cytogenetic location: 5q14.1.
Variant type: single nucleotide variant.
Coding change: c.1266G>A on transcript NM_178276.7; coding-DNA position 1266, G replaced by A.
Protein change: p.Leu422=; no amino-acid change (leucine 422 retained).
Molecular consequence: synonymous variant. On other transcripts: non-coding transcript variant (2).
Genome position (GRCh38, 1-based): chr5:80,113,607, C>T on the plus strand (G>A on the coding strand, the complement: SERINC5 is on the minus strand). VCF-style: chr5-80113607-C-T. GRCh37 (hg19) VCF-style: chr5-79409430-C-T.
Other names: c.1257G>A, p.Leu419= (NM_001174071.3).
Identifiers: ClinVar variation 2655566 (VCV002655566.22), dbSNP rs536295821, ClinGen allele CA3324702.
Genomic context (GRCh38, chr5:80,113,607, plus strand): 5'-GAAAAAGAGGTTTAATTGGACTTACAGTTCCACATGGCTGGGGAGGCCTCAGAATCATGG[C>T]AGGAGGTGAAAGGCACTTCTTACATGGCAGCAGCAAGAGAAAAAGAGGGAGAAGCAAAAG-3'

ClinVar aggregate classification (germline): Likely benign (1 of 4 stars; one submission).

Allele frequency attached by ClinVar (database versions not stated): 1000 Genomes Project 30x 0.00047; gnomAD exomes 0.00035; TOPMed 0.00039; gnomAD 0.00044; 1000 Genomes Project 0.00060.
gnomAD v4.1: 115 of 287,670 alleles (0.04%); highest among the groups gnomAD compares: Non-Finnish European, 0.058%; no homozygotes.

Submission:

CeGaT Center for Human Genetics Tuebingen
Classification: Likely benign. Last evaluated: 2022-11-01. Review status: criteria provided, single submitter. Criteria: CeGaT Center For Human Genetics Tuebingen Variant Classification Criteria Version 2. Collection method: clinical testing. Allele origin: germline. Affected: yes. Observed: 1 variant allele.
Comment: SERINC5: BP4, BP7